The following is an entry in ClinVar:

NM_006514.4(SCN10A):c.3016C>G (p.Leu1006Val)

Genes: SCN10A (sodium voltage-gated channel alpha subunit 10; minus strand), LOC110121288 (VISTA enhancer hs2268; plus strand). Cytogenetic location: 3p22.2.
Variant type: single nucleotide variant.
Coding change: c.3016C>G on transcript NM_006514.4 (MANE Select); coding-DNA position 3016, C replaced by G.
Protein change: p.Leu1006Val; replaces leucine 1006 with valine.
Molecular consequence: missense variant.
Genome position (GRCh38, 1-based): chr3:38,726,677, G>C on the plus strand (C>G on the coding strand, the complement: SCN10A is on the minus strand). VCF-style: chr3-38726677-G-C. GRCh37 (hg19) VCF-style: chr3-38768168-G-C.
Other names: c.3016C>G (NM_006514.2); c.3016C>G, p.Leu1006Val (NM_001293306.2); c.2722C>G, p.Leu908Val (NM_001293307.2); short protein forms L1006V, L908V.
Identifiers: ClinVar variation 835642 (VCV000835642.8), dbSNP rs963394464, ClinGen allele CA72960448.
Genomic context (GRCh38, chr3:38,726,677, plus strand): 5'-GGATCACTTCCTGCTGGAAGCTCTGAGCATCTTCCCCACCATCATCCTCCAAGTCATCAA[G>C]ATCAGATTCACCCTCAGCAATGGGCACAGAGACCCACACAGTCGGATTAGCGATGAAGTC-3'
Protein context (NP_006505.4, residues 996-1016): SVPIAEGESD[Leu1006Val]DDLEDDGGED

ClinVar aggregate classification (germline): Uncertain significance. Review status: criteria provided, multiple submitters, no conflicts (2 of 4 stars). 2 submissions from 2 submitters: Uncertain significance (2). Last evaluated 2025-11-20.

Conditions:
Cardiovascular phenotype. Identifiers: MedGen CN230736.
Brugada syndrome. Also called: Sudden Unexplained Death Syndrome; Sudden Unexplained Nocturnal Death Syndrome (SUNDS); Sudden unexplained nocturnal death syndrome; Sudden unexpected nocturnal death syndrome. Identifiers: Orphanet 130, MedGen C1142166, MONDO:0015263.

Allele frequency attached by ClinVar (database versions not stated): TOPMed below 0.00001.
gnomAD v4.1: 2 of 1,610,676 alleles (0.00012%); highest among the groups gnomAD compares: Admixed American, 0.0017%; no homozygotes.

Submissions (2):

Ambry Genetics
Classification: Uncertain significance for Cardiovascular phenotype. Last evaluated: 2025-11-20. Review status: criteria provided, single submitter. Criteria: Ambry Variant Classification Scheme 2023. Collection method: clinical testing. Allele origin: germline.

Labcorp Genetics (formerly Invitae), Labcorp
Classification: Uncertain significance for Brugada syndrome. Last evaluated: 2020-12-12. Review status: criteria provided, single submitter. Criteria: Invitae Variant Classification Sherloc (09022015). Collection method: clinical testing. Allele origin: germline.
Comment: In summary, the available evidence is currently insufficient to determine the role of this variant in disease. Therefore, it has been classified as a Variant of Uncertain Significance. Algorithms developed to predict the effect of missense changes on protein structure and function (SIFT, PolyPhen-2, Align-GVGD) all suggest that this variant is likely to be tolerated, but these predictions have not been confirmed by published functional studies and their clinical significance is uncertain. This variant has not been reported in the literature in individuals with SCN10A-related conditions. This variant is not present in population databases (ExAC no frequency). This sequence change replaces leucine with valine at codon 1006 of the SCN10A protein (p.Leu1006Val). The leucine residue is moderately conserved and there is a small physicochemical difference between leucine and valine.